The following is an entry in ClinVar:

ClinVar aggregate classification (germline): Conflicting classifications of pathogenicity. Review status: criteria provided, conflicting classifications (1 of 4 stars). 4 submissions from 4 submitters: Uncertain significance (3); Benign (1). Last evaluated 2026-01-01.

Conditions:
Congenital contractural arachnodactyly (CCA). Also called: BEALS SYNDROME; Beals-Hecht syndrome; Arthrogryposis, distal, type 9. Identifiers: Orphanet 115, MedGen C0220668, MONDO:0007363, OMIM 121050.
Familial thoracic aortic aneurysm and aortic dissection (TAAD). Also called: Thoracic aortic aneurysms and dissections. Identifiers: Orphanet 91387, MedGen C4707243, MONDO:0019625.

Allele frequency attached by ClinVar (database versions not stated): gnomAD 0.00001; TOPMed 0.00001.
gnomAD v4.1: 33 of 1,613,776 alleles (0.002%); highest among the groups gnomAD compares: Non-Finnish European, 0.0019%; no homozygotes.

Submissions (4):

CeGaT Center for Human Genetics Tuebingen
Classification: Uncertain significance. Last evaluated: 2026-01-01. Review status: criteria provided, single submitter. Criteria: CeGaT Center For Human Genetics Tuebingen Variant Classification Criteria Version 2. Collection method: clinical testing. Allele origin: germline. Affected: yes. Observed: 1 variant allele.

Labcorp Genetics (formerly Invitae), Labcorp
Classification: Benign for Congenital contractural arachnodactyly. Last evaluated: 2025-08-24. Review status: criteria provided, single submitter. Criteria: Invitae Variant Classification Sherloc (09022015). Collection method: clinical testing. Allele origin: germline.

Ambry Genetics
Classification: Uncertain significance for Familial thoracic aortic aneurysm and aortic dissection. Last evaluated: 2024-01-08. Review status: criteria provided, single submitter. Criteria: Ambry Variant Classification Scheme 2023. Collection method: clinical testing. Allele origin: germline.
Comment: The p.R1742Q variant (also known as c.5225G>A), located in coding exon 41 of the FBN2 gene, results from a G to A substitution at nucleotide position 5225. The arginine at codon 1742 is replaced by glutamine, an amino acid with highly similar properties. This amino acid position is highly conserved in available vertebrate species. In addition, this alteration is predicted to be deleterious by in silico analysis. Since supporting evidence is limited at this time, the clinical significance of this alteration remains unclear.

Victorian Clinical Genetics Services, Murdoch Childrens Research Institute
Classification: Uncertain significance for Congenital contractural arachnodactyly. Last evaluated: 2021-05-06. Review status: criteria provided, single submitter. Criteria: ACMG Guidelines, 2015. Collection method: clinical testing. Allele origin: germline. Inheritance: Autosomal dominant inheritance.
Comment: Based on the classification scheme VCGS_Germline_v1.3.4, this variant is classified as VUS - 3B. Following criteria are met: 0102 - Loss of function is a mechanism of disease in this gene and is associated with congenital contractural arachnodactyly (MIM#121050). (I) 0107 - This gene is associated with autosomal dominant disease. (I) 0200 - Variant is predicted to result in a missense amino acid change from arginine to glutamine. (I) 0251 - This variant is heterozygous. (I) 0302 - Variant is present in gnomAD (v2) <0.001 for a dominant condition (6 heterozygotes, 0 homozygotes). (SP) 0309 - An alternative amino acid change at the same position has been observed in gnomAD (v2) (1 heterozygote, 0 homozygotes). (I) 0502 - Missense variant with conflicting in silico predictions and uninformative conservation. (I) 0600 - Variant is located in the annotated TB 7 motif (PDB). (I) 0705 - No comparable missense variants have previous evidence for pathogenicity. (I) 0809 - Previous evidence of pathogenicity for this variant is inconclusive. This variant has previously been reported as a VUS in association with congenital contractural arachnodactyly (ClinVar) and in a proband with mitral valve prolapse (PMID: 32277046). (I) 0905 - No published segregation evidence has been identified for this variant. (I) 1007 - No published functional evidence has been identified for this variant. (I) 1208 - Inheritance information for this variant is not currently available in this individual. (I) Legend: (SP) - Supporting pathogenic, (I) - Information, (SB) - Supporting benign

Literature cited by the submitters: PubMed 32277046 (cited by Victorian Clinical Genetics Services, Murdoch Childrens Research Institute).

NM_001999.4(FBN2):c.5225G>A (p.Arg1742Gln)

Gene: FBN2 (fibrillin 2; minus strand). Cytogenetic location: 5q23.3.
Variant type: single nucleotide variant.
Coding change: c.5225G>A on transcript NM_001999.4 (MANE Select); coding-DNA position 5225, G replaced by A.
Protein change: p.Arg1742Gln; replaces arginine 1742 with glutamine.
Molecular consequence: missense variant.
Genome position (GRCh38, 1-based): chr5:128,309,375, C>T on the plus strand (G>A on the coding strand, the complement: FBN2 is on the minus strand). VCF-style: chr5-128309375-C-T. GRCh37 (hg19) VCF-style: chr5-127645067-C-T.
Other names: short protein forms R1742Q.
Identifiers: ClinVar variation 568911 (VCV000568911.20), dbSNP rs774411234, ClinGen allele CA3394749.